The following is an entry in ClinVar:

ClinVar aggregate classification (germline): Likely benign. Review status: criteria provided, multiple submitters, no conflicts (2 of 4 stars). 3 submissions from 3 submitters: Likely benign (3). Last evaluated 2025-12-26.

Conditions:
CDH23-related disorder. Also called: CDH23-related disorders; CDH23-related condition.

Allele frequency attached by ClinVar (database versions not stated): gnomAD 0.00002; gnomAD exomes 0.00003 and 0.00016; TOPMed 0.00005; ExAC 0.00014.
gnomAD v4.1: 53 of 1,613,348 alleles (0.0033%); highest among the groups gnomAD compares: Admixed American, 0.085%; no homozygotes.

Submissions (3):

PreventionGenetics, part of Exact Sciences
Classification: Likely benign for CDH23-related condition. Last evaluated: 2025-12-26. Review status: criteria provided, single submitter. Criteria: ACMG Guidelines, 2015. Collection method: clinical testing. Allele origin: germline.
Comment: This variant is classified as likely benign based on ACMG/AMP sequence variant interpretation guidelines (Richards et al. 2015 PMID: 25741868, with internal and published modifications).

Labcorp Genetics (formerly Invitae), Labcorp
Classification: Likely benign. Last evaluated: 2025-12-16. Review status: criteria provided, single submitter. Criteria: Invitae Variant Classification Sherloc (09022015). Collection method: clinical testing. Allele origin: germline.

Blueprint Genetics
Classification: Likely benign. Last evaluated: 2022-09-02. Review status: criteria provided, single submitter. Criteria: ACMG Guidelines, 2015. Collection method: clinical testing. Allele origin: germline.

NM_022124.6(CDH23):c.1971C>T (p.Val657=)

Gene: CDH23 (cadherin related 23; plus strand). Cytogenetic location: 10q22.1.
Variant type: single nucleotide variant.
Coding change: c.1971C>T on transcript NM_022124.6 (MANE Select); coding-DNA position 1971, C replaced by T.
Protein change: p.Val657=; no amino-acid change (valine 657 retained).
Molecular consequence: synonymous variant.
Genome position (GRCh38, 1-based): chr10:71,682,557, C>T. VCF-style: chr10-71682557-C-T. GRCh37 (hg19) VCF-style: chr10-73442314-C-T.
Other names: c.1971C>T, p.Val657= (NM_001171930.2, NM_001171931.2).
Identifiers: ClinVar variation 743257 (VCV000743257.12), dbSNP rs769007852, ClinGen allele CA5544024.